The following is an entry in ClinVar:

NM_000051.4(ATM):c.8291G>C (p.Ser2764Thr)

Genes: C11orf65 (chromosome 11 open reading frame 65; minus strand), ATM (ATM serine/threonine kinase; plus strand). Cytogenetic location: 11q22.3.
Variant type: single nucleotide variant.
Coding change: c.8291G>C on transcript NM_000051.4 (MANE Select); coding-DNA position 8291, G replaced by C.
Protein change: p.Ser2764Thr; replaces serine 2764 with threonine.
Molecular consequence: missense variant. On other transcripts: intron variant (2).
Genome position (GRCh38, 1-based): chr11:108,343,244, G>C. VCF-style: chr11-108343244-G-C. GRCh37 (hg19) VCF-style: chr11-108213971-G-C.
Other names: c.8291G>C, p.Ser2764Thr (NM_001351834.2); c.641-34173C>G (NM_001330368.2); c.695-7952C>G (NM_001351110.2); short protein forms S2764T.
Identifiers: ClinVar variation 2119872 (VCV002119872.4), dbSNP rs2087810767, ClinGen allele CA382516323.

ClinVar aggregate classification (germline): Uncertain significance (1 of 4 stars; one submission).

Conditions:
Ataxia-telangiectasia syndrome (AT). Also called: ATAXIA-TELANGIECTASIA, COMPLEMENTATION GROUP A; ATAXIA-TELANGIECTASIA, FRESNO VARIANT; Ataxia-telangiectasia; Ataxia-telangiectasia, complementation group E; LOUIS-BAR SYNDROME; Cerebello-oculocutaneous telangiectasia. Identifiers: Orphanet 100, MedGen C0004135, MONDO:0008840, OMIM 208900.

Submission:

Labcorp Genetics (formerly Invitae), Labcorp
Classification: Uncertain significance for Ataxia-telangiectasia syndrome. Last evaluated: 2022-03-31. Review status: criteria provided, single submitter. Criteria: Invitae Variant Classification Sherloc (09022015). Collection method: clinical testing. Allele origin: germline.
Comment: In summary, the available evidence is currently insufficient to determine the role of this variant in disease. Therefore, it has been classified as a Variant of Uncertain Significance. Advanced modeling of protein sequence and biophysical properties (such as structural, functional, and spatial information, amino acid conservation, physicochemical variation, residue mobility, and thermodynamic stability) performed at Invitae indicates that this missense variant is expected to disrupt ATM protein function. This variant has not been reported in the literature in individuals affected with ATM-related conditions. This variant is not present in population databases (gnomAD no frequency). This sequence change replaces serine, which is neutral and polar, with threonine, which is neutral and polar, at codon 2764 of the ATM protein (p.Ser2764Thr).